The following is an entry in ClinVar:

NM_001243133.2(NLRP3):c.1470T>C (p.His490=)

Gene: NLRP3 (NLR family pyrin domain containing 3; plus strand). Cytogenetic location: 1q44.
Variant type: single nucleotide variant.
Coding change: c.1470T>C on transcript NM_001243133.2 (MANE Select); coding-DNA position 1470, T replaced by C.
Protein change: p.His490=; no amino-acid change (histidine 490 retained).
Molecular consequence: synonymous variant.
Genome position (GRCh38, 1-based): chr1:247,424,919, T>C. VCF-style: chr1-247424919-T-C. GRCh37 (hg19) VCF-style: chr1-247588221-T-C.
Other names: p.His492=; c.1470T>C, p.His490= (NM_001079821.3, NM_001127461.3, NM_001127462.3 and 1 more transcripts); c.1476T>C, p.His492= (NM_004895.5).
Identifiers: ClinVar variation 4684429 (VCV004684429.2).

ClinVar aggregate classification (germline): Conflicting classifications of pathogenicity. Review status: criteria provided, conflicting classifications (1 of 4 stars). 2 submissions from 2 submitters: Uncertain significance (1); Likely benign (1). Last evaluated 2025-03-31.

gnomAD v4.1: 1 of 1,613,004 alleles (0.000062%); highest among the groups gnomAD compares: Non-Finnish European, 0.000085%; no homozygotes.

Submissions (2):

Mayo Clinic Laboratories, Mayo Clinic
Classification: Likely benign. Last evaluated: 2025-03-31. Review status: criteria provided, single submitter. Criteria: ACMG Guidelines, 2015. Collection method: clinical testing. Allele origin: germline. Observed: 1 variant allele.
Comment: BP4, BP7, PM2_supporting

Blueprint Genetics
Classification: Uncertain significance. Last evaluated: 2017-07-05. Review status: criteria provided, single submitter. Criteria: ACMG Guidelines, 2015. Collection method: clinical testing. Allele origin: germline.